The following is an entry in ClinVar:

NM_012123.4(MTO1):c.1499G>C (p.Arg500Pro)

Gene: MTO1 (mitochondrial tRNA translation optimization 1; plus strand). Cytogenetic location: 6q13.
Variant type: single nucleotide variant.
Coding change: c.1499G>C on transcript NM_012123.4 (MANE Select); coding-DNA position 1499, G replaced by C.
Protein change: p.Arg500Pro; replaces arginine 500 with proline.
Molecular consequence: missense variant.
Genome position (GRCh38, 1-based): chr6:73,482,482, G>C. VCF-style: chr6-73482482-G-C. GRCh37 (hg19) VCF-style: chr6-74192205-G-C.
Other names: c.1619G>C, p.Arg540Pro (NM_001123226.2); c.1574G>C, p.Arg525Pro (NM_133645.3); c.1619G>C (NM_001123226.1); short protein forms R525P, R540P, R500P.
Identifiers: ClinVar variation 2201320 (VCV002201320.4), dbSNP rs770464521, ClinGen allele CA364717386.

ClinVar aggregate classification (germline): Uncertain significance. Review status: criteria provided, multiple submitters, no conflicts (2 of 4 stars). 2 submissions from 2 submitters: Uncertain significance (2). Last evaluated 2023-08-21.

Conditions:
Inborn genetic diseases. Identifiers: MedGen C0950123, MeSH D030342.
Mitochondrial hypertrophic cardiomyopathy with lactic acidosis due to MTO1 deficiency. Also called: CARDIOMYOPATHY, INFANTILE HYPERTROPHIC MITOCHONDRIAL, AND LACTIC ACIDOSIS; Combined oxidative phosphorylation deficiency 10. Identifiers: Orphanet 314637, MedGen C4749921, MONDO:0013865, OMIM 614702.

gnomAD v4.1: 41 of 1,613,176 alleles (0.0025%); highest among the groups gnomAD compares: Non-Finnish European, 0.0034%; no homozygotes.

Submissions (2):

Ambry Genetics
Classification: Uncertain significance for Inborn genetic diseases. Last evaluated: 2023-08-21. Review status: criteria provided, single submitter. Criteria: Ambry Variant Classification Scheme 2023. Collection method: clinical testing. Allele origin: germline.

Labcorp Genetics (formerly Invitae), Labcorp
Classification: Uncertain significance for Mitochondrial hypertrophic cardiomyopathy with lactic acidosis due to MTO1 deficiency. Last evaluated: 2023-06-06. Review status: criteria provided, single submitter. Criteria: Invitae Variant Classification Sherloc (09022015). Collection method: clinical testing. Allele origin: germline.
Comment: In summary, the available evidence is currently insufficient to determine the role of this variant in disease. Therefore, it has been classified as a Variant of Uncertain Significance. Advanced modeling of protein sequence and biophysical properties (such as structural, functional, and spatial information, amino acid conservation, physicochemical variation, residue mobility, and thermodynamic stability) has been performed at Invitae for this missense variant, however the output from this modeling did not meet the statistical confidence thresholds required to predict the impact of this variant on MTO1 protein function. ClinVar contains an entry for this variant (Variation ID: 2201320). This variant has not been reported in the literature in individuals affected with MTO1-related conditions. This variant is present in population databases (no rsID available, gnomAD 0.002%). This sequence change replaces arginine, which is basic and polar, with proline, which is neutral and non-polar, at codon 500 of the MTO1 protein (p.Arg500Pro).